The following is an entry in ClinVar:

ClinVar aggregate classification (germline): Pathogenic/Likely pathogenic. Review status: criteria provided, multiple submitters, no conflicts (2 of 4 stars). 3 submissions from 3 submitters: Pathogenic (1); Likely pathogenic (2). Last evaluated 2025-01-16.

Conditions:
Leukoencephalopathy with brain stem and spinal cord involvement-high lactate syndrome (LBSL). Also called: LEUKOENCEPHALOPATHY WITH BRAINSTEM AND SPINAL CORD INVOLVEMENT AND LACTATE ELEVATION, MILD; MITOCHONDRIAL ASPARTYL-tRNA SYNTHETASE DEFICIENCY; Leukoencephalopathy with Brainstem and Spinal Cord Involvement and Lactate Elevation. Identifiers: Orphanet 137898, MedGen C1970180, MONDO:0012622, OMIM 611105.

Allele frequency attached by ClinVar (database versions not stated): gnomAD 0.00001; gnomAD exomes 0.00002; TOPMed below 0.00001.
gnomAD v4.1: 10 of 1,612,150 alleles (0.00062%); highest among the groups gnomAD compares: South Asian, 0.0033%; no homozygotes.

Submissions (3):

Broad Center for Mendelian Genomics, Broad Institute of MIT and Harvard
Classification: Pathogenic for Leukoencephalopathy with brain stem and spinal cord involvement-high lactate syndrome. Last evaluated: 2025-01-16. Review status: criteria provided, single submitter. Criteria: ACMG Guidelines, 2015. Collection method: curation. Allele origin: germline. Inheritance: Autosomal recessive inheritance.
Comment: The c.397-2A>G variant in DARS2 has been reported in at least 2 individuals with leukoencephalopathy with brain stem and spinal cord involvement-high lactate syndrome (PMID: 17384640), and has been identified in 0.003% (3/91048) of South Asian chromosomes by the Genome Aggregation Database (gnomAD; dbSNP rs1229799153). Although this variant has been seen in the general population in a heterozygous state, its frequency is low enough to be consistent with a recessive carrier frequency. This variant has also been reported in ClinVar (Variation ID: 1722987) and has been interpreted as likely pathogenic by GeneDx. Of the 2 affected individuals, at least 1 was a compound heterozygote that carried a reported pathogenic variant in trans, which increases the likelihood that the c.397-2A>G variant is pathogenic (Variation ID: 1057; PMID: 24566671). This variant is located in the 3' splice region. SpliceAI predictions indicate use of an out-of-frame cryptic splice site 1 base from the intron-exon boundary, providing evidence that this variant may cause a frameshift and lead to a premature termination codon downstream. This alteration is then predicted to lead to a truncated or absent protein. However, this information is not predictive enough to determine pathogenicity. Loss of function of the DARS2 gene is an established disease mechanism in autosomal recessive leukoencephalopathy with brain stem and spinal cord involvement-high lactate syndrome. In summary, this variant meets criteria to be classified as pathogenic for autosomal recessive leukoencephalopathy with brain stem and spinal cord involvement-high lactate syndrome. ACMG/AMP Criteria applied: PM3, PVS1, PM2_supporting (Richards 2015).

Labcorp Genetics (formerly Invitae), Labcorp
Classification: Likely pathogenic. Last evaluated: 2023-06-10. Review status: criteria provided, single submitter. Criteria: Invitae Variant Classification Sherloc (09022015). Collection method: clinical testing. Allele origin: germline.
Comment: In summary, the currently available evidence indicates that the variant is pathogenic, but additional data are needed to prove that conclusively. Therefore, this variant has been classified as Likely Pathogenic. Algorithms developed to predict the effect of sequence changes on RNA splicing suggest that this variant may disrupt the consensus splice site. ClinVar contains an entry for this variant (Variation ID: 1722987). Disruption of this splice site has been observed in individual(s) with Leukoencephalopathy (PMID: 17384640). This variant is present in population databases (no rsID available, gnomAD 0.003%). This sequence change affects an acceptor splice site in intron 4 of the DARS2 gene. It is expected to disrupt RNA splicing. Variants that disrupt the donor or acceptor splice site typically lead to a loss of protein function (PMID: 16199547), and loss-of-function variants in DARS2 are known to be pathogenic (PMID: 17384640, 24566671).

GeneDx
Classification: Likely pathogenic. Last evaluated: 2022-11-03. Review status: criteria provided, single submitter. Criteria: GeneDx Variant Classification Process June 2021. Collection method: clinical testing. Allele origin: germline. Affected: yes.
Comment: Observed in multiple individuals who met diagnostic criteria for LBSL in whom a second DARS2 variant was identified, but it is not known whether the variants occurred on the same (in cis) or on different (in trans) chromosomes (Scheper et al., 2007); Identified in two individuals with an adult onset, mild presentation of LBSL in whom a second DARS2 variant was identified, but it is not known whether the variants occurred on the same (in cis) or on different (in trans) chromosomes (van Berge et al., 2014); Not observed at a significant frequency in large population cohorts (gnomAD); Canonical splice site variant expected to result in aberrant splicing, although in the absence of functional evidence the actual effect of this sequence change is unknown.; This variant is associated with the following publications: (PMID: 23644316, 25525159, 17384640, 23824528, 24566671)

Literature cited by the submitters: PubMed 17384640 (cited by Labcorp Genetics (formerly Invitae), Labcorp); PubMed 16199547 (cited by Labcorp Genetics (formerly Invitae), Labcorp); PubMed 24566671 (cited by Labcorp Genetics (formerly Invitae), Labcorp).

NM_018122.5(DARS2):c.397-2A>G

Gene: DARS2 (aspartyl-tRNA synthetase 2, mitochondrial; plus strand). Cytogenetic location: 1q25.1.
Variant type: single nucleotide variant.
Coding change: c.397-2A>G on transcript NM_018122.5 (MANE Select); the canonical splice acceptor site of the intron before coding-DNA position 397, A replaced by G.
Molecular consequence: splice acceptor variant.
Genome position (GRCh38, 1-based): chr1:173,831,533, A>G. VCF-style: chr1-173831533-A-G. GRCh37 (hg19) VCF-style: chr1-173800671-A-G.
Other names: c.397-2A>G (NM_001365212.1, NM_001365213.2).
Identifiers: ClinVar variation 1722987 (VCV001722987.6), dbSNP rs1229799153, ClinGen allele CA343758879.
Genomic context (GRCh38, chr1:173,831,533, plus strand): 5'-ATGTGTATTTTGTGTATATCCTGATGAGTAATTTTTAAAACCCTTCCTTCTCACTCTCCA[A>G]GAAAATGCCAACAGGTGAGATTGAAATCAAAGTTAAAACAGCTGAGCTTCTGAATGCCTG-3'